The following is an entry in ClinVar:

ClinVar aggregate classification (germline): Benign. Review status: criteria provided, single submitter (1 of 4 stars). 3 submissions from 1 submitter: Benign (3). Last evaluated 2018-01-13.

Conditions:
Myhre syndrome (MYHRS). Also called: LARYNGOTRACHEAL STENOSIS, ARTHROPATHY, PROGNATHISM, AND SHORT STATURE; LAPS SYNDROME. Identifiers: Orphanet 2588, MedGen C0796081, MONDO:0007688, OMIM 139210.
Juvenile polyposis/hereditary hemorrhagic telangiectasia syndrome (JPHT). Also called: JP/HHT SYNDROME; JUVENILE POLYPOSIS WITH HEREDITARY HEMORRHAGIC TELANGIECTASIA; POLYPOSIS, GENERALIZED JUVENILE, WITH PULMONARY ARTERIOVENOUS MALFORMATION; TELANGIECTASIA, HEREDITARY HEMORRHAGIC, WITH JUVENILE POLYPOSIS COLI; Juvenile Polyposis Syndrome / Hereditary Hemorrhagic Telangiectasia (JPS/HHT). Identifiers: Orphanet 2929, MedGen C1832942, MONDO:0008278, OMIM 175050.
Generalized juvenile polyposis/juvenile polyposis coli. Also called: Juvenile polyposis coli. Identifiers: Orphanet 329971, MedGen C1868081, MONDO:0008276.

Allele frequency attached by ClinVar (database versions not stated): gnomAD 0.00011 and 0.00116; TOPMed 0.00028; 1000 Genomes Project 30x 0.00703; 1000 Genomes Project 0.00779.

Submissions (3):

Illumina Laboratory Services, Illumina
Classification: Benign for Juvenile polyposis syndrome. Last evaluated: 2018-01-13. Review status: criteria provided, single submitter. Criteria: ICSL Variant Classification Criteria 13 December 2019. Collection method: clinical testing. Allele origin: germline.
Comment: This variant was observed in the ICSL laboratory as part of a predisposition screen in an ostensibly healthy population. It had not been previously curated by ICSL or reported in the Human Gene Mutation Database (HGMD: prior to June 1st, 2018), and was therefore a candidate for classification through an automated scoring system. Utilizing variant allele frequency, disease prevalence and penetrance estimates, and inheritance mode, an automated score was calculated to assess if this variant is too frequent to cause the disease. Based on the score and internal cut-off values, a variant classified as benign is not then subjected to further curation. The score for this variant resulted in a classification of benign for this disease.

Illumina Laboratory Services, Illumina
Classification: Benign for Myhre syndrome. Last evaluated: 2018-01-13. Review status: criteria provided, single submitter. Criteria: ICSL Variant Classification Criteria 13 December 2019. Collection method: clinical testing. Allele origin: germline.
Comment: the same text as in the submission from Illumina Laboratory Services, Illumina above.

Illumina Laboratory Services, Illumina
Classification: Benign for Juvenile polyposis/hereditary hemorrhagic telangiectasia syndrome. Last evaluated: 2018-01-13. Review status: criteria provided, single submitter. Criteria: ICSL Variant Classification Criteria 13 December 2019. Collection method: clinical testing. Allele origin: germline.
Comment: the same text as in the submission from Illumina Laboratory Services, Illumina above.

NM_005359.6(SMAD4):c.*2353C>T

Gene: SMAD4 (SMAD family member 4; plus strand). Cytogenetic location: 18q21.2.
Variant type: single nucleotide variant.
Coding change: c.*2353C>T on transcript NM_005359.6 (MANE Select); 2353 bases downstream of the stop codon, C replaced by T.
Molecular consequence: 3 prime UTR variant.
Genome position (GRCh38, 1-based): chr18:51,080,820, C>T. VCF-style: chr18-51080820-C-T. GRCh37 (hg19) VCF-style: chr18-48607190-C-T.
Identifiers: ClinVar variation 327137 (VCV000327137.5), dbSNP rs550660083, ClinGen allele CA10647784.
Genomic context (GRCh38, chr18:51,080,820, plus strand): 5'-TGAACTCCTGACCTCAAGTGATCCATCCACCTTGGCCTCCCAAAGTGCTGGGATTACGGG[C>T]GTGAGCCACTGTCCCTGGCCTCATTGTTCCCTTTTCTACTTTAAGGAAAGTTTTCATGTT-3'